The following is an entry in ClinVar:

ClinVar aggregate classification (germline): Pathogenic (1 of 4 stars; one submission).

Submission:

Athena Diagnostics
Classification: Pathogenic. Last evaluated: 2025-01-21. Review status: criteria provided, single submitter. Criteria: Athena Diagnostics Criteria. Collection method: clinical testing. Allele origin: unknown.
Comment: This variant is expected to result in the loss of a functional protein. This variant has not been reported in large, multi-ethnic general populations. This variant has been identified in at least one individual with clinical features associated with this gene.

NM_004006.3(DMD):c.9775_9776del (p.Asn3258_Ile3259insTer)

Gene: DMD (dystrophin; minus strand). Cytogenetic location: Xp21.2.
Variant type: Deletion.
Coding change: c.9775_9776del on transcript NM_004006.3 (MANE Select); coding-DNA positions 9775 to 9776, 2 bases deleted (AT; older notation c.9775_9776delAT).
Protein change: p.Asn3258_Ile3259insTer.
Molecular consequence: nonsense. On other transcripts: frameshift variant (1).
Genome position (GRCh38, 1-based): chrX:31,203,992-31,203,993, AT deleted on the plus strand (AT on the coding strand, the reverse complement: DMD is on the minus strand). VCF-style (leftmost placement, unchanged base first): chrX-31203991-AAT-A. GRCh37 (hg19) VCF-style: chrX-31222108-AAT-A.
Other names: c.9751_9752del, p.Asn3250_Ile3251insTer (NM_000109.4); c.9775_9776delAT, p.Ile3259Terfs (NM_004006.2); c.9763_9764del, p.Asn3254_Ile3255insTer (NM_004009.3); c.9406_9407del, p.Asn3135_Ile3136insTer (NM_004010.3); c.5752_5753del, p.Asn1917_Ile1918insTer (NM_004011.4); c.5743_5744del, p.Asn1914_Ile1915insTer (NM_004012.4); c.2395_2396del, p.Asn798_Ile799insTer (NM_004013.3, NM_004020.4, NM_004021.3 and 2 more transcripts); c.1588_1589del, p.Asn529_Ile530insTer (NM_004014.3); and 1 more.
Identifiers: ClinVar variation 4682478 (VCV004682478.1).
Genomic context (GRCh38, chrX:31,203,991, plus strand): 5'-AATATGTTACCTAGAAGGTGAATAACTTACAAATTGGAAGCAGCTCCGGACACTTGGCTC[AAT>A]GTTACTGCCCCCAAAGGATGCAACTTCACCCAACTGTCTTGGAATTTGGATAGAATCATG-3'